The following is an entry in ClinVar:

NM_001199138.2(NLRC4):c.8T>C (p.Phe3Ser)

Gene: NLRC4 (NLR family CARD domain containing 4; minus strand). Cytogenetic location: 2p22.3.
Variant type: single nucleotide variant.
Coding change: c.8T>C on transcript NM_001199138.2 (MANE Select); coding-DNA position 8, T replaced by C.
Protein change: p.Phe3Ser; replaces phenylalanine 3 with serine.
Molecular consequence: missense variant.
Genome position (GRCh38, 1-based): chr2:32,252,673, A>G on the plus strand (T>C on the coding strand, the complement: NLRC4 is on the minus strand). VCF-style: chr2-32252673-A-G. GRCh37 (hg19) VCF-style: chr2-32477742-A-G.
Other names: c.8T>C, p.Phe3Ser (NM_001199139.2, NM_001302504.2, NM_021209.5); short protein forms F3S.
Identifiers: ClinVar variation 1468155 (VCV001468155.6), dbSNP rs2148943940, ClinGen allele CA346517206.

ClinVar aggregate classification (germline): Uncertain significance (1 of 4 stars; one submission).

Conditions:
Familial cold autoinflammatory syndrome 4 (FCAS4). Identifiers: Orphanet 47045, Orphanet 576349, MedGen C4015276, MONDO:0014498, OMIM 616115.
Periodic fever-infantile enterocolitis-autoinflammatory syndrome. Also called: Autoinflammation with infantile enterocolitis. Identifiers: Orphanet 436166, MedGen C4015067, MONDO:0014472, OMIM 616050.

Submission:

Labcorp Genetics (formerly Invitae), Labcorp
Classification: Uncertain significance for Periodic fever-infantile enterocolitis-autoinflammatory syndrome; Familial cold autoinflammatory syndrome 4. Last evaluated: 2021-09-06. Review status: criteria provided, single submitter. Criteria: Invitae Variant Classification Sherloc (09022015). Collection method: clinical testing. Allele origin: germline.
Comment: This variant has not been reported in the literature in individuals affected with NLRC4-related conditions. This variant is not present in population databases (ExAC no frequency). This sequence change replaces phenylalanine with serine at codon 3 of the NLRC4 protein (p.Phe3Ser). The phenylalanine residue is highly conserved and there is a large physicochemical difference between phenylalanine and serine. Algorithms developed to predict the effect of missense changes on protein structure and function (SIFT, PolyPhen-2, Align-GVGD) all suggest that this variant is likely to be disruptive. In summary, the available evidence is currently insufficient to determine the role of this variant in disease. Therefore, it has been classified as a Variant of Uncertain Significance.